The following is an entry in ClinVar:

ClinVar aggregate classification (germline): Benign/Likely benign. Review status: criteria provided, multiple submitters, no conflicts (2 of 4 stars). 6 submissions from 6 submitters: Benign (4); Likely benign (2). Last evaluated 2026-07-01.

Conditions:
Cardiac arrhythmia, ankyrin-B-related. Also called: ANKYRIN-B SYNDROME. Identifiers: Orphanet 101016, Orphanet 768, MedGen C1970119, MONDO:0010958, OMIM 600919.
Long QT syndrome (LQTS). Identifiers: MedGen C0023976, MeSH D008133, MONDO:0002442. Disease mechanism: loss of function. Inheritance: Various modes of inheritance.

Allele frequency attached by ClinVar (database versions not stated): gnomAD 0.00007 and 0.00019; TOPMed 0.00007; ESP Exome Variant Server 0.00008; gnomAD exomes 0.00018 and 0.00040; ExAC 0.00044; 1000 Genomes Project 30x 0.00078; 1000 Genomes Project 0.00080.
gnomAD v4.1: 302 of 1,610,728 alleles (0.019%); highest among the groups gnomAD compares: South Asian, 0.25%; no homozygotes.

Submissions (6):

CeGaT Center for Human Genetics Tuebingen
Classification: Benign. Last evaluated: 2026-07-01. Review status: criteria provided, single submitter. Criteria: CeGaT Center For Human Genetics Tuebingen Variant Classification Criteria Version 2. Collection method: clinical testing. Allele origin: germline. Affected: yes. Observed: 1 variant allele.
Comment: ANK2: BP4, BS1, BS2

Labcorp Genetics (formerly Invitae), Labcorp
Classification: Benign for Long QT syndrome. Last evaluated: 2025-08-20. Review status: criteria provided, single submitter. Criteria: Invitae Variant Classification Sherloc (09022015). Collection method: clinical testing. Allele origin: germline.

Laboratory of Genetics, Children's Clinical University Hospital Latvia
Classification: Likely benign. Last evaluated: 2025-02-16. Review status: criteria provided, single submitter. Criteria: ACMG Guidelines, 2015. Collection method: clinical testing. Allele origin: germline. Affected: yes.

Blueprint Genetics
Classification: Likely benign. Last evaluated: 2024-11-25. Review status: criteria provided, single submitter. Criteria: ACMG Guidelines, 2015. Collection method: clinical testing. Allele origin: germline.

Genome-Nilou Lab
Classification: Benign for Cardiac arrhythmia, ankyrin-B-related. Last evaluated: 2021-12-05. Review status: criteria provided, single submitter. Criteria: ACMG Guidelines, 2015. Collection method: clinical testing. Allele origin: germline. Affected: no.

Women's Health and Genetics/Laboratory Corporation of America, LabCorp
Classification: Benign. Last evaluated: 2021-09-27. Review status: criteria provided, single submitter. Criteria: LabCorp Variant Classification Summary - May 2015. Collection method: clinical testing. Allele origin: germline.
Comment: Variant summary: ANK2 c.3224+7G>A alters a non-conserved nucleotide located close to a canonical splice site and therefore could affect mRNA splicing, leading to a significantly altered protein sequence. 4/4 computational tools predict no significant impact on normal splicing. However, these predictions have yet to be confirmed by functional studies. The variant allele was found at a frequency of 0.0004 in 251450 control chromosomes, predominantly at a frequency of 0.003 within the South Asian subpopulation in the gnomAD database. The observed variant frequency within South Asian control individuals in the gnomAD database is approximately 300 fold of the estimated maximal expected allele frequency for a pathogenic variant in ANK2 causing Arrhythmia phenotype (1e-05), strongly suggesting that the variant is a benign polymorphism found primarily in populations of South Asian origin. To our knowledge, no occurrence of c.3224+7G>A in individuals affected with Arrhythmia and no experimental evidence demonstrating its impact on protein function have been reported. One clinical diagnostic laboratory has submitted clinical-significance assessments for this variant to ClinVar after 2014 without evidence for independent evaluation. One laboratory classified the variant as benign. Based on the evidence outlined above, the variant was classified as benign.

NM_001148.6(ANK2):c.3224+7G>A

Gene: ANK2 (ankyrin 2; plus strand). Cytogenetic location: 4q26.
Variant type: single nucleotide variant.
Coding change: c.3224+7G>A on transcript NM_001148.6 (MANE Select); 7 bases into the intron after coding-DNA position 3224, G replaced by A.
Molecular consequence: intron variant.
Genome position (GRCh38, 1-based): chr4:113,332,077, G>A. VCF-style: chr4-113332077-G-A. GRCh37 (hg19) VCF-style: chr4-114253233-G-A.
Other names: c.3209+7G>A (NM_001386186.2, NM_001386148.2); c.3011+7G>A (NM_001354269.3); c.3090-977G>A (NM_001386187.2); c.3084-977G>A (NM_001386147.1, NM_001354261.2); c.3069-977G>A (NM_001386160.1); c.3173+7G>A (NM_001354254.2); c.3194+7G>A (NM_001354239.2, NM_001354252.2); c.3096-977G>A (NM_001354272.2); and 28 more.
Identifiers: ClinVar variation 700350 (VCV000700350.15), dbSNP rs376534098, ClinGen allele CA3050794.